The following is an entry in ClinVar:

ClinVar aggregate classification (germline): Uncertain significance (1 of 4 stars; one submission).

Conditions:
Combined immunodeficiency due to STIM1 deficiency. Also called: IMMUNODEFICIENCY 10; STIM1 DEFICIENCY. Identifiers: Orphanet 169090, Orphanet 317430, MedGen C2748557, MONDO:0013008, OMIM 612783.
Myopathy with tubular aggregates (TAM). Also called: Tubular Aggregate Myopathy. Identifiers: Orphanet 2593, MedGen C0410207, MONDO:0008051.
Stormorken syndrome (STRMK). Also called: THROMBOCYTOPATHY, ASPLENIA, AND MIOSIS. Identifiers: Orphanet 3204, MedGen C1861451, MONDO:0008497, OMIM 185070.

Submission:

Labcorp Genetics (formerly Invitae), Labcorp
Classification: Uncertain significance for Myopathy with tubular aggregates; Combined immunodeficiency due to STIM1 deficiency; Stormorken syndrome. Last evaluated: 2025-01-06. Review status: criteria provided, single submitter. Criteria: Invitae Variant Classification Sherloc (09022015). Collection method: clinical testing. Allele origin: germline.
Comment: This variant, c.2053_2055del, results in the deletion of 1 amino acid(s) of the STIM1 protein (p.Lys685del), but otherwise preserves the integrity of the reading frame. This variant is present in population databases (no rsID available, gnomAD 0.01%). This variant has not been reported in the literature in individuals affected with STIM1-related conditions. Experimental studies and prediction algorithms are not available or were not evaluated, and the functional significance of this variant is currently unknown. In summary, the available evidence is currently insufficient to determine the role of this variant in disease. Therefore, it has been classified as a Variant of Uncertain Significance.

NM_001382567.1(STIM1):c.2143AAG[1] (p.Lys716del)

Gene: STIM1 (stromal interaction molecule 1; plus strand). Cytogenetic location: 11p15.4.
Variant type: Microsatellite.
Coding change: c.2143AAG[1] on transcript NM_001382567.1 (MANE Select); one copy of the 3-base unit AAG starting at c.2143; the reference has two copies in a row; one copy, 3 bases deleted.
Protein change: p.Lys716del; deletes lysine 716.
Molecular consequence: inframe deletion. On other transcripts: 3 prime UTR variant (4), non-coding transcript variant (3).
Genome position (GRCh38, 1-based): chr11:4,091,793-4,091,795, AAG deleted; deleting any 3 consecutive bases within chr11:4,091,790-4,091,795 gives the same sequence; the position shown is the placement nearest the transcript's 3' end. VCF-style (leftmost placement, unchanged base first): chr11-4091789-TAAG-T. GRCh37 (hg19) VCF-style: chr11-4113019-TAAG-T.
Other names: c.2368AAG[1], p.Lys791del (NM_001277961.3); c.*464AAG[1] (NM_001277962.2, NM_001382578.1, NM_001382579.1 and 1 more transcripts); c.2146AAG[1], p.Lys717del (NM_001382566.1); c.2071AAG[1], p.Lys692del (NM_001382568.1); c.1915AAG[1], p.Lys640del (NM_001382569.1); c.1822AAG[1], p.Lys609del (NM_001382570.1); c.1570AAG[1], p.Lys525del (NM_001382571.1); c.1828AAG[1], p.Lys611del (NM_001382575.1, NM_001382576.1, NM_001382577.1); and 2 more; short protein forms K685del, K791del, K522del, K525del, K609del, K611del, K640del, K692del.
Identifiers: ClinVar variation 1985932 (VCV001985932.4), dbSNP rs1565174393, ClinGen allele CA597434535.
Genomic context (GRCh38, chr11:4,091,789, plus strand): 5'-GGAAACAGACTCCAGCCCAGGCCGGAAGAAGTTTCCCCTCAAAATCTTTAAGAAGCCTCT[TAAG>T]AAGTAGGCAGGATGGGGTGGCAGTAAAGGGACAGCTTGTCCTTCCCTGGGTGTTCTGTCT-3'